The following is an entry in ClinVar:

NM_006031.6(PCNT):c.5724G>A (p.Gln1908=)

Gene: PCNT (pericentrin; plus strand). Cytogenetic location: 21q22.3.
Variant type: single nucleotide variant.
Coding change: c.5724G>A on transcript NM_006031.6 (MANE Select); coding-DNA position 5724, G replaced by A.
Protein change: p.Gln1908=; no amino-acid change (glutamine 1908 retained).
Molecular consequence: synonymous variant.
Genome position (GRCh38, 1-based): chr21:46,411,797, G>A. VCF-style: chr21-46411797-G-A. GRCh37 (hg19) VCF-style: chr21-47831711-G-A.
Other names: c.5370G>A, p.Gln1790= (NM_001315529.2).
Identifiers: ClinVar variation 897512 (VCV000897512.15), dbSNP rs199519762, ClinGen allele CA10080074.

ClinVar aggregate classification (germline): Benign/Likely benign. Review status: criteria provided, multiple submitters, no conflicts (2 of 4 stars). 3 submissions from 3 submitters: Benign (1); Likely benign (1). 1 of the submissions does not count toward it. Last evaluated 2024-03-29.

Conditions:
PCNT-related disorder. Also called: PCNT-related condition.
Microcephalic osteodysplastic primordial dwarfism type II (MOPD2). Also called: Microcephalic osteodysplastic primordial dwarfism with tooth abnormalities; MOPD II; OSTEODYSPLASTIC PRIMORDIAL DWARFISM, TYPE II. Identifiers: Orphanet 2637, MedGen C0432246, MONDO:0008872, OMIM 210720.

Allele frequency attached by ClinVar (database versions not stated): gnomAD 0.00006 and 0.00013; TOPMed 0.00010; gnomAD exomes 0.00019 and 0.00025; 1000 Genomes Project 0.00080; ExAC 0.00044; 1000 Genomes Project 30x 0.00062.
gnomAD v4.1: 281 of 1,594,698 alleles (0.018%); highest among the groups gnomAD compares: East Asian, 0.63%; 2 homozygotes.

Submissions (3):

Labcorp Genetics (formerly Invitae), Labcorp
Classification: Benign. Last evaluated: 2024-03-29. Review status: criteria provided, single submitter. Criteria: Invitae Variant Classification Sherloc (09022015). Collection method: clinical testing. Allele origin: germline.

Illumina Laboratory Services, Illumina
Classification: Likely benign for Microcephalic osteodysplastic primordial dwarfism type II. Last evaluated: 2018-01-13. Review status: criteria provided, single submitter. Criteria: ICSL Variant Classification Criteria 13 December 2019. Collection method: clinical testing. Allele origin: germline.
Comment: This variant was observed in the ICSL laboratory as part of a predisposition screen in an ostensibly healthy population. It had not been previously curated by ICSL or reported in the Human Gene Mutation Database (HGMD: prior to June 1st, 2018), and was therefore a candidate for classification through an automated scoring system. Utilizing variant allele frequency, disease prevalence and penetrance estimates, and inheritance mode, an automated score was calculated to assess if this variant is too frequent to cause the disease. Based on the score and internal cut-off values, a variant classified as likely benign is not then subjected to further curation. The score for this variant resulted in a classification of likely benign for this disease.

PreventionGenetics, part of Exact Sciences
Classification: Likely benign for PCNT-related condition. Last evaluated: 2022-04-28. Review status: no assertion criteria provided. Collection method: clinical testing. Allele origin: germline. Not counted in ClinVar's aggregate classification.
Comment: This variant is classified as likely benign based on ACMG/AMP sequence variant interpretation guidelines (Richards et al. 2015 PMID: 25741868, with internal and published modifications).